The following is an entry in ClinVar:

ClinVar aggregate classification (germline): Likely benign (1 of 4 stars; one submission).

Submission:

Women's Health and Genetics/Laboratory Corporation of America, LabCorp
Classification: Likely benign. Last evaluated: 2025-07-31. Review status: criteria provided, single submitter. Criteria: LabCorp Variant Classification Summary - May 2015. Collection method: clinical testing. Allele origin: germline.
Comment: Variant summary: C1S c.5+19_5+37dup19 is located at a position not widely known to affect splicing. Consensus agreement among computation tools predicts no significant impact on normal splicing. However, these predictions have yet to be confirmed by functional studies. The variant was absent in 250818 control chromosomes (gnomAD). The available data on variant occurrences in the general population are insufficient to allow any conclusion about variant significance. To our knowledge, no occurrence of c.5+19_5+37dup19 in individuals affected with Complement component C1s deficiency and no experimental evidence demonstrating its impact on protein function have been reported. No submitters have cited clinical-significance assessments for this variant to ClinVar. Based on the evidence outlined above, the variant was classified as likely benign.

NM_001734.5(C1S):c.5+19_5+37dup

Gene: C1S (complement C1s; plus strand). Cytogenetic location: 12p13.31.
Variant type: Duplication.
Coding change: c.5+19_5+37dup on transcript NM_001734.5 (MANE Select); bases 19 to 37 of the intron after coding-DNA position 5, 19 bases duplicated (CTGAGATGACACAGACTCC).
Molecular consequence: intron variant.
Genome position (GRCh38, 1-based): chr12:7,061,936-7,061,954, CTGAGATGACACAGACTCC duplicated; duplicating any 19 consecutive bases within chr12:7,061,933-7,061,954 gives the same sequence; the c. name uses the placement nearest the transcript's 3' end. VCF-style (leftmost placement, unchanged base first): chr12-7061932-G-GTCCCTGAGATGACACAGAC. GRCh37 (hg19) VCF-style: chr12-7169236-G-GTCCCTGAGATGACACAGAC.
Other names: c.5+19_5+37dup19 (NM_001734.5); c.5+19_5+37dup (NM_201442.4); c.-289+19_-289+37dup (NM_001346850.2).
Identifiers: ClinVar variation 4526240 (VCV004526240.1).